The following is an entry in ClinVar:

ClinVar aggregate classification (germline): Uncertain significance. Review status: criteria provided, multiple submitters, no conflicts (2 of 4 stars). 2 submissions from 2 submitters: Uncertain significance (2). Last evaluated 2022-02-09.

Conditions:
Inborn genetic diseases. Identifiers: MedGen C0950123, MeSH D030342.

Allele frequency attached by ClinVar (database versions not stated): gnomAD exomes 0.00001; gnomAD 0.00017 and 0.00019; TOPMed 0.00020.
gnomAD v4.1: 44 of 1,480,372 alleles (0.003%); highest among the groups gnomAD compares: African/African-American, 0.057%; no homozygotes.

Submissions (2):

Labcorp Genetics (formerly Invitae), Labcorp
Classification: Uncertain significance. Last evaluated: 2022-02-09. Review status: criteria provided, single submitter. Criteria: Invitae Variant Classification Sherloc (09022015). Collection method: clinical testing. Allele origin: germline.
Comment: In summary, the available evidence is currently insufficient to determine the role of this variant in disease. Therefore, it has been classified as a Variant of Uncertain Significance. Algorithms developed to predict the effect of missense changes on protein structure and function are either unavailable or do not agree on the potential impact of this missense change (SIFT: "Deleterious"; PolyPhen-2: "Benign"; Align-GVGD: "Class C0"). This variant has not been reported in the literature in individuals affected with APC2-related conditions. This variant is present in population databases (no rsID available, gnomAD 0.06%). This sequence change replaces serine, which is neutral and polar, with tyrosine, which is neutral and polar, at codon 1455 of the APC2 protein (p.Ser1455Tyr).

Ambry Genetics
Classification: Uncertain significance for Inborn genetic diseases. Last evaluated: 2022-01-19. Review status: criteria provided, single submitter. Criteria: Ambry Variant Classification Scheme 2023. Collection method: clinical testing. Allele origin: germline.

NM_005883.3(APC2):c.4364C>A (p.Ser1455Tyr)

Gene: APC2 (APC regulator of WNT signaling pathway 2; plus strand). Cytogenetic location: 19p13.3.
Variant type: single nucleotide variant.
Coding change: c.4364C>A on transcript NM_005883.3 (MANE Select); coding-DNA position 4364, C replaced by A.
Protein change: p.Ser1455Tyr; replaces serine 1455 with tyrosine.
Molecular consequence: missense variant.
Genome position (GRCh38, 1-based): chr19:1,467,665, C>A. VCF-style: chr19-1467665-C-A. GRCh37 (hg19) VCF-style: chr19-1467664-C-A.
Other names: c.4361C>A, p.Ser1454Tyr (NM_001351273.1); c.4364C>A (NM_005883.2); short protein forms S1454Y, S1455Y.
Identifiers: ClinVar variation 1356424 (VCV001356424.8), dbSNP rs977847550, ClinGen allele CA304078383.
Genomic context (GRCh38, chr19:1,467,665, plus strand): 5'-CCAGACAGGCCATGGGGCACCGGCACAAGGCGGGAGGCGCCGGCCGCAGCGCGGAGCAGT[C>A]TCGGGGCGCGGGCAAGAACAGAGCAGGGCTGGAGCTGCCCCTGGGCCGGCCCCCGAGCGC-3'
Protein context (NP_005874.1, residues 1445-1465): AGGAGRSAEQ[Ser1455Tyr]RGAGKNRAGL